The following is an entry in ClinVar:

ClinVar aggregate classification (germline): Likely benign. Review status: criteria provided, single submitter (1 of 4 stars). 2 submissions from 2 submitters: Likely benign (1). 1 of the submissions does not count toward it. Last evaluated 2025-04-07.

Conditions:
NPC1-related disorder. Also called: NPC1-related condition.
Niemann-Pick disease, type C1. Also called: NEUROVISCERAL STORAGE DISEASE WITH VERTICAL SUPRANUCLEAR OPHTHALMOPLEGIA; NIEMANN-PICK DISEASE WITH CHOLESTEROL ESTERIFICATION BLOCK; NIEMANN-PICK DISEASE WITHOUT SPHINGOMYELINASE DEFICIENCY; NIEMANN-PICK DISEASE, CHRONIC NEURONOPATHIC FORM; NIEMANN-PICK DISEASE, VARIANT TYPE C1. Identifiers: Orphanet 646, MedGen C3179455, MONDO:0009757, OMIM 257220.

Submissions (2):

Labcorp Genetics (formerly Invitae), Labcorp
Classification: Likely benign for Niemann-Pick disease, type C1. Last evaluated: 2025-04-07. Review status: criteria provided, single submitter. Criteria: Invitae Variant Classification Sherloc (09022015). Collection method: clinical testing. Allele origin: germline.

PreventionGenetics, part of Exact Sciences
Classification: Likely benign for NPC1-related condition. Last evaluated: 2021-04-05. Review status: no assertion criteria provided. Collection method: clinical testing. Allele origin: germline. Not counted in ClinVar's aggregate classification.
Comment: This variant is classified as likely benign based on ACMG/AMP sequence variant interpretation guidelines (Richards et al. 2015 PMID: 25741868, with internal and published modifications).

NM_000271.5(NPC1):c.1947+19_1947+20insGGG

Gene: NPC1 (NPC intracellular cholesterol transporter 1; minus strand). Cytogenetic location: 18q11.2.
Variant type: Insertion.
Coding change: c.1947+19_1947+20insGGG on transcript NM_000271.5 (MANE Select); bases 19 to 20 of the intron after coding-DNA position 1947, GGG inserted.
Molecular consequence: intron variant.
Genome position: GRCh38 VCF-style: chr18-23544940-A-ACCC. GRCh37 (hg19) VCF-style: chr18-21124904-A-ACCC.
Other names: c.1947+19_1947+20insGGG (NM_000271.4).
Identifiers: ClinVar variation 2919274 (VCV002919274.5), dbSNP rs770879191, ClinGen allele CA8913285.